The following is an entry in ClinVar:

NM_001127644.2(GABRA1):c.716T>G (p.Val239Gly)

Gene: GABRA1 (gamma-aminobutyric acid type A receptor subunit alpha1; plus strand). Cytogenetic location: 5q34.
Variant type: single nucleotide variant.
Coding change: c.716T>G on transcript NM_001127644.2 (MANE Select); coding-DNA position 716, T replaced by G.
Protein change: p.Val239Gly; replaces valine 239 with glycine.
Molecular consequence: missense variant.
Genome position (GRCh38, 1-based): chr5:161,890,910, T>G. VCF-style: chr5-161890910-T-G. GRCh37 (hg19) VCF-style: chr5-161317916-T-G.
Other names: c.716T>G, p.Val239Gly (NM_000806.5, NM_001127643.2, NM_001127645.2 and 1 more transcripts); short protein forms V239G.
Identifiers: ClinVar variation 4536606 (VCV004536606.1).

ClinVar aggregate classification (germline): Uncertain significance (1 of 4 stars; one submission).

Submission:

GeneDx
Classification: Uncertain significance. Last evaluated: 2025-06-03. Review status: criteria provided, single submitter. Criteria: GeneDx Variant Classification Process June 2021. Collection method: clinical testing. Allele origin: germline. Affected: yes.
Comment: Not observed at significant frequency in large population cohorts (gnomAD); In silico analysis supports that this missense variant has a deleterious effect on protein structure/function; Has not been previously published as pathogenic or benign to our knowledge